The following is an entry in ClinVar:

ClinVar aggregate classification (germline): Uncertain significance (1 of 4 stars; one submission).

Submission:

Dasa
Classification: Uncertain significance. Last evaluated: 2024-11-14. Review status: criteria provided, single submitter. Criteria: DASA Assertion Criteria. Collection method: clinical testing. Allele origin: germline.
Comment: NM_152641.4(ARID2):c.2654G>A (p.Ser885Asn) is a missense variant that results in the substitution of serine with asparagine. This variant is absent from population databases. Computational prediction algorithms are consistent with a benign effect. The currently available literature and clinical evidence are not sufficient to establish a definitive association between this variant and the reported condition. Therefore, this variant is classified as a variant of uncertain significance.

NM_152641.4(ARID2):c.2654G>A (p.Ser885Asn)

Gene: ARID2 (AT-rich interaction domain 2; plus strand). Cytogenetic location: 12q12.
Variant type: single nucleotide variant.
Coding change: c.2654G>A on transcript NM_152641.4 (MANE Select); coding-DNA position 2654, G replaced by A.
Protein change: p.Ser885Asn; replaces serine 885 with asparagine.
Molecular consequence: missense variant.
Genome position (GRCh38, 1-based): chr12:45,850,777, G>A. VCF-style: chr12-45850777-G-A. GRCh37 (hg19) VCF-style: chr12-46244560-G-A.
Other names: c.2654G>A, p.Ser885Asn (NM_001347839.2); short protein forms S885N.
Identifiers: ClinVar variation 4885713 (VCV004885713.2).